The following is an entry in ClinVar:

NM_004104.5(FASN):c.6193G>A (p.Asp2065Asn)

Gene: FASN (fatty acid synthase; minus strand). Cytogenetic location: 17q25.3.
Variant type: single nucleotide variant.
Coding change: c.6193G>A on transcript NM_004104.5 (MANE Select); coding-DNA position 6193, G replaced by A.
Protein change: p.Asp2065Asn; replaces aspartic acid 2065 with asparagine.
Molecular consequence: missense variant.
Genome position (GRCh38, 1-based): chr17:82,081,814, C>T on the plus strand (G>A on the coding strand, the complement: FASN is on the minus strand). VCF-style: chr17-82081814-C-T. GRCh37 (hg19) VCF-style: chr17-80039690-C-T.
Other names: short protein forms D2065N.
Identifiers: ClinVar variation 2172921 (VCV002172921.4), dbSNP rs772957840, ClinGen allele CA8851373.
Genomic context (GRCh38, chr17:82,081,814, plus strand): 5'-GCAGCGTGCCACTGACGATCGTGTCGTTGGTGCTCATCGTCTCCACCAAAATGCCCACGT[C>T]GCCGATGGCGCCCCACTGCACGGCCAGGCCTGTGGGGGAGGGGGCAGGTGGGCAGAGCTG-3'
Protein context (NP_004095.4, residues 2055-2075): GLAVQWGAIG[Asp2065Asn]VGILVETMST

ClinVar aggregate classification (germline): Uncertain significance (1 of 4 stars; one submission).

Conditions:
Epileptic encephalopathy. Identifiers: MedGen C0543888, HP:0200134.

Allele frequency attached by ClinVar (database versions not stated): ExAC 0.00001; gnomAD exomes 0.00001; TOPMed 0.00004.
gnomAD v4.1: 23 of 1,610,420 alleles (0.0014%); highest among the groups gnomAD compares: African/African-American, 0.011%; no homozygotes.

Submission:

Labcorp Genetics (formerly Invitae), Labcorp
Classification: Uncertain significance for Epileptic encephalopathy. Last evaluated: 2025-12-15. Review status: criteria provided, single submitter. Criteria: Invitae Variant Classification Sherloc (09022015). Collection method: clinical testing. Allele origin: germline.
Comment: This sequence change replaces aspartic acid, which is acidic and polar, with asparagine, which is neutral and polar, at codon 2065 of the FASN protein (p.Asp2065Asn). This variant is present in population databases (rs772957840, gnomAD 0.007%). This variant has not been reported in the literature in individuals affected with FASN-related conditions. ClinVar contains an entry for this variant (Variation ID: 2172921). An algorithm developed to predict the effect of missense changes on protein structure and function (PolyPhen-2) suggests that this variant is likely to be disruptive. In summary, the available evidence is currently insufficient to determine the role of this variant in disease. Therefore, it has been classified as a Variant of Uncertain Significance.